The following is an entry in ClinVar:

NM_007294.4(BRCA1):c.3373T>C (p.Ser1125Pro)

Genes: BRCA1 (BRCA1 DNA repair associated; minus strand), LOC126862571 (BRD4-independent group 4 enhancer GRCh37_chr17:41243136-41244335; plus strand). Cytogenetic location: 17q21.31.
Variant type: single nucleotide variant.
Coding change: c.3373T>C on transcript NM_007294.4 (MANE Select); coding-DNA position 3373, T replaced by C.
Protein change: p.Ser1125Pro; replaces serine 1125 with proline.
Molecular consequence: missense variant. On other transcripts: intron variant (137).
Genome position (GRCh38, 1-based): chr17:43,092,158, A>G on the plus strand (T>C on the coding strand, the complement: BRCA1 is on the minus strand). VCF-style: chr17-43092158-A-G. GRCh37 (hg19) VCF-style: chr17-41244175-A-G.
Other names: c.3160T>C, p.Ser1054Pro (NM_001407571.1, NM_001407853.1, NM_001407894.1 and 9 more transcripts); c.3373T>C, p.Ser1125Pro (NM_001407581.1, NM_001407582.1, NM_001407583.1 and 30 more transcripts); c.3370T>C, p.Ser1124Pro (NM_001407587.1, NM_001407590.1, NM_001407591.1 and 22 more transcripts); c.3364T>C, p.Ser1122Pro (NM_001407646.1, NM_001407647.1); c.3250T>C, p.Ser1084Pro (NM_001407648.1, NM_001407664.1, NM_001407665.1 and 19 more transcripts); c.3247T>C, p.Ser1083Pro (NM_001407649.1, NM_001407670.1, NM_001407671.1 and 11 more transcripts); c.3295T>C, p.Ser1099Pro (NM_001407653.1, NM_001407654.1, NM_001407655.1 and 4 more transcripts); c.3292T>C, p.Ser1098Pro (NM_001407659.1, NM_001407660.1, NM_001407661.1 and 1 more transcripts); and 41 more; short protein forms S1125P, S1078P, S1014P, S1036P, S1099P, S1054P, S1083P, S1098P.
Identifiers: ClinVar variation 482911 (VCV000482911.8), dbSNP rs1555587839, ClinGen allele CA10595231.

ClinVar aggregate classification (germline): Conflicting classifications of pathogenicity. Review status: criteria provided, conflicting classifications (1 of 4 stars). 2 submissions from 2 submitters: Uncertain significance (1); Likely benign (1). Last evaluated 2023-03-23.

Conditions:
Hereditary cancer-predisposing syndrome. Also called: Neoplastic Syndromes, Hereditary; Tumor predisposition; Hereditary Cancer Syndrome; Hereditary neoplastic syndrome. Identifiers: Orphanet 140162, MedGen C0027672, MeSH D009386, MONDO:0015356.

Submissions (2):

University of Washington Department of Laboratory Medicine, University of Washington
Classification: Likely benign for Hereditary cancer-predisposing syndrome. Last evaluated: 2023-03-23. Review status: criteria provided, single submitter. Criteria: Dines et al. (Genet Med. 2020). Collection method: curation. Allele origin: germline.
Comment: Missense variant in a coldspot region where missense variants are very unlikely to be pathogenic (PMID:31911673).

BRCA1 coldspot (exon 11 using historical exon numbering). Reclassification based on statistical prior probability

Ambry Genetics
Classification: Uncertain significance for Hereditary cancer-predisposing syndrome. Last evaluated: 2016-06-22. Review status: criteria provided, single submitter. Criteria: Ambry Variant Classification Scheme 2023. Collection method: clinical testing. Allele origin: germline.
Comment: The p.S1125P variant (also known as c.3373T>C), located in coding exon 9 of the BRCA1 gene, results from a T to C substitution at nucleotide position 3373. The serine at codon 1125 is replaced by proline, an amino acid with similar properties. This variant was not reported in population based cohorts in the following databases: Database of Single Nucleotide Polymorphisms (dbSNP), NHLBI Exome Sequencing Project (ESP), and 1000 Genomes Project. In the ESP, this variant was not observed in 6503 samples (13006 alleles) with coverage at this position. To date, this alteration has been detected with an allele frequency of approximately 0.0003% (greater than 300000 alleles tested) in our clinical cohort. This amino acid position is well conserved in available vertebrate species. In addition, the in silico prediction for this alteration is inconclusive. Since supporting evidence is limited at this time, the clinical significance of this alteration remains unclear.